The following is an entry in ClinVar:

NM_021072.4(HCN1):c.1982G>A (p.Arg661Lys)

Gene: HCN1 (hyperpolarization activated cyclic nucleotide gated potassium channel 1; minus strand). Cytogenetic location: 5p12.
Variant type: single nucleotide variant.
Coding change: c.1982G>A on transcript NM_021072.4 (MANE Select); coding-DNA position 1982, G replaced by A.
Protein change: p.Arg661Lys; replaces arginine 661 with lysine.
Molecular consequence: missense variant.
Genome position (GRCh38, 1-based): chr5:45,262,612, C>T on the plus strand (G>A on the coding strand, the complement: HCN1 is on the minus strand). VCF-style: chr5-45262612-C-T. GRCh37 (hg19) VCF-style: chr5-45262714-C-T.
Other names: short protein forms R661K.
Identifiers: ClinVar variation 4778777 (VCV004778777.1).

ClinVar aggregate classification (germline): Uncertain significance (1 of 4 stars; one submission).

Conditions:
Early-infantile DEE. Also called: Early infantile epileptic encephalopathy with suppression bursts; Early infantile epileptic encephalopathy; Ohtahara syndrome. Identifiers: Orphanet 1934, MedGen C0393706, MONDO:0800491.

gnomAD v4.1: 3 of 1,613,640 alleles (0.00019%); highest among the groups gnomAD compares: Admixed American, 0.005%; no homozygotes.

Submission:

Labcorp Genetics (formerly Invitae), Labcorp
Classification: Uncertain significance for Early-infantile DEE. Last evaluated: 2025-07-21. Review status: criteria provided, single submitter. Criteria: Invitae Variant Classification Sherloc (09022015). Collection method: clinical testing. Allele origin: germline.
Comment: This sequence change replaces arginine, which is basic and polar, with lysine, which is basic and polar, at codon 661 of the HCN1 protein (p.Arg661Lys). This variant is present in population databases (rs143224211, gnomAD 0.009%). This variant has not been reported in the literature in individuals affected with HCN1-related conditions. Invitae Evidence Modeling of protein sequence and biophysical properties (such as structural, functional, and spatial information, amino acid conservation, physicochemical variation, residue mobility, and thermodynamic stability) indicates that this missense variant is not expected to disrupt HCN1 protein function with a negative predictive value of 95%. In summary, the available evidence is currently insufficient to determine the role of this variant in disease. Therefore, it has been classified as a Variant of Uncertain Significance.